The following is an entry in ClinVar:

ClinVar aggregate classification (germline): Likely pathogenic (1 of 4 stars; one submission).

Conditions:
Autosomal recessive limb-girdle muscular dystrophy type 2J (LGMDR10). Also called: Limb-girdle muscular dystrophy, type 2J; MUSCULAR DYSTROPHY, LIMB-GIRDLE, AUTOSOMAL RECESSIVE 10. Identifiers: Orphanet 140922, MedGen C1837342, MONDO:0012127, OMIM 608807.
Dilated cardiomyopathy 1G (CMD1G). Identifiers: Orphanet 154, MedGen C1858763, MONDO:0011400, OMIM 604145.

Submission:

Labcorp Genetics (formerly Invitae), Labcorp
Classification: Likely pathogenic for Dilated cardiomyopathy 1G; Autosomal recessive limb-girdle muscular dystrophy type 2J. Last evaluated: 2022-03-17. Review status: criteria provided, single submitter. Criteria: Invitae Variant Classification Sherloc (09022015). Collection method: clinical testing. Allele origin: germline.
Comment: This variant is located in the A band of TTN (PMID: 25589632). Truncating variants in this region are significantly overrepresented in patients affected with dilated cardiomyopathy (PMID: 25589632). Truncating variants in this region have also been reported in individuals affected with autosomal recessive centronuclear myopathy (PMID: 23975875). This sequence change creates a premature translational stop signal (p.Ser29365*) in the TTN gene. While this is not anticipated to result in nonsense mediated decay, it is expected to create a truncated TTN protein. This variant is not present in population databases (gnomAD no frequency). This variant has not been reported in the literature in individuals affected with TTN-related conditions. In summary, the currently available evidence indicates that the variant is pathogenic, but additional data are needed to prove that conclusively. Therefore, this variant has been classified as Likely Pathogenic.

Literature cited by the submitters: PubMed 25589632; PubMed 23975875.

NM_001267550.2(TTN):c.88092dup (p.Ser29365Ter)

Genes: TTN (titin; minus strand), TTN-AS1 (TTN antisense RNA 1; plus strand). Cytogenetic location: 2q31.2.
Variant type: Duplication.
Coding change: c.88092dup on transcript NM_001267550.2 (MANE Select); coding-DNA position 88092, one base duplicated (T; older notation c.88092dupT).
Protein change: p.Ser29365Ter; replaces serine 29365 with a stop codon.
Molecular consequence: nonsense.
Genome position (GRCh38, 1-based): chr2:178,557,062, A duplicated on the plus strand (T on the coding strand, the reverse complement: TTN is on the minus strand). VCF-style (leftmost placement, unchanged base first): chr2-178557061-T-TA. GRCh37 (hg19) VCF-style: chr2-179421788-T-TA.
Other names: c.83169dup, p.Ser27724Ter (NM_001256850.1); c.60897dup, p.Ser20300Ter (NM_003319.4); c.80388dup, p.Ser26797Ter (NM_133378.4); c.61272dup, p.Ser20425Ter (NM_133432.3); c.61473dup, p.Ser20492Ter (NM_133437.4); short protein forms S27724*, S29365*, S26797*, S20300*, S20425*, S20492*.
Identifiers: ClinVar variation 2089282 (VCV002089282.4), dbSNP rs2469509531, ClinGen allele CA2580064719.